The following is an entry in ClinVar:

ClinVar aggregate classification (germline): Likely pathogenic. Review status: criteria provided, single submitter (1 of 4 stars). 4 submissions from 4 submitters: Likely pathogenic (1). 3 of the submissions do not count toward it. Last evaluated 2025-03-28.

Conditions:
Ethylmalonic encephalopathy (EE). Also called: EPEMA syndrome; Encephalopathy, petechiae, and ethylmalonic aciduria; Syndrome of encephalopathy, petechiae, and ethylmalonic aciduria. Identifiers: Orphanet 51188, MedGen C1865349, MONDO:0011229, OMIM 602473. Disease mechanism: loss of function.

Allele frequency attached by ClinVar (database versions not stated): gnomAD 0.00001; ExAC 0.00002; gnomAD exomes 0.00002; TOPMed 0.00002.

Submissions (4):

First Genomix Gene Laboratory, Genetic Diagnostics Department
Classification: Likely pathogenic for Ethylmalonic encephalopathy. Last evaluated: 2025-03-28. Review status: criteria provided, single submitter. Criteria: ACMG Guidelines, 2015. Collection method: clinical testing. Allele origin: germline. Inheritance: Autosomal recessive inheritance. Affected: no. Observed: 1 variant allele.

Solve-RD Consortium
Classification: Likely pathogenic for Ethylmalonic encephalopathy. Last evaluated: 2022-06-01. Review status: no assertion criteria provided. Collection method: provider interpretation. Allele origin: inherited. Affected: yes. Not counted in ClinVar's aggregate classification.
Comment: Variant confirmed as disease-causing by referring clinical team

Variant identified during reanalysis of unsolved cases by the Solve-RD project. The Solve-RD project has received funding from the European Union’s Horizon 2020 research and innovation programme under grant agreement No 779257.

Clinical Genetics DNA and cytogenetics Diagnostics Lab, Erasmus MC, Erasmus Medical Center
Classification: Uncertain significance. Review status: no assertion criteria provided. Collection method: clinical testing. Allele origin: germline. Affected: yes. Study: VKGL Data-share Consensus. Not counted in ClinVar's aggregate classification.

Joint Genome Diagnostic Labs from Nijmegen and Maastricht, Radboudumc and MUMC+
Classification: Uncertain significance. Review status: no assertion criteria provided. Collection method: clinical testing. Allele origin: germline. Affected: yes. Study: VKGL Data-share Consensus. Not counted in ClinVar's aggregate classification.

Literature cited by the submitters: PubMed 39825153 (cited by Solve-RD Consortium).

NM_014297.5(ETHE1):c.475C>T (p.Arg159Cys)

Gene: ETHE1 (ETHE1 persulfide dioxygenase; minus strand). Cytogenetic location: 19q13.31.
Variant type: single nucleotide variant.
Coding change: c.475C>T on transcript NM_014297.5 (MANE Select); coding-DNA position 475, C replaced by T.
Protein change: p.Arg159Cys; replaces arginine 159 with cysteine.
Molecular consequence: missense variant.
Genome position (GRCh38, 1-based): chr19:43,511,467, G>A on the plus strand (C>T on the coding strand, the complement: ETHE1 is on the minus strand). VCF-style: chr19-43511467-G-A. GRCh37 (hg19) VCF-style: chr19-44015619-G-A.
Other names: c.442C>T, p.Arg148Cys (NM_001320867.2); c.106C>T, p.Arg36Cys (NM_001320868.2); c.181C>T, p.Arg61Cys (NM_001320869.2); short protein forms R148C, R159C, R36C, R61C.
Identifiers: ClinVar variation 1297566 (VCV001297566.5), dbSNP rs540383420, ClinGen allele CA9487852.